The following is an entry in ClinVar:

ClinVar aggregate classification (germline): Uncertain significance (1 of 4 stars; one submission).

Conditions:
Inborn genetic diseases. Identifiers: MedGen C0950123, MeSH D030342.

gnomAD v4.1: 1 of 1,581,648 alleles (0.000063%); highest among the groups gnomAD compares: Non-Finnish European, 0.000086%; no homozygotes.

Submission:

Ambry Genetics
Classification: Uncertain significance for Inborn genetic diseases. Last evaluated: 2025-04-06. Review status: criteria provided, single submitter. Criteria: Ambry Variant Classification Scheme 2023. Collection method: clinical testing. Allele origin: germline.
Comment: The p.A747P variant (also known as c.2239G>C), located in coding exon 25 of the FANCA gene, results from a G to C substitution at nucleotide position 2239. The alanine at codon 747 is replaced by proline, an amino acid with highly similar properties. This amino acid position is conserved. In addition, this alteration is predicted to be tolerated by in silico analysis. Based on the available evidence, the clinical significance of this variant remains unclear.

NM_000135.4(FANCA):c.2239G>C (p.Ala747Pro)

Gene: FANCA (FA complementation group A; minus strand). Cytogenetic location: 16q24.3.
Variant type: single nucleotide variant.
Coding change: c.2239G>C on transcript NM_000135.4 (MANE Select); coding-DNA position 2239, G replaced by C.
Protein change: p.Ala747Pro; replaces alanine 747 with proline.
Molecular consequence: missense variant.
Genome position (GRCh38, 1-based): chr16:89,770,243, C>G on the plus strand (G>C on the coding strand, the complement: FANCA is on the minus strand). VCF-style: chr16-89770243-C-G. GRCh37 (hg19) VCF-style: chr16-89836651-C-G.
Other names: c.2239G>C, p.Ala747Pro (NM_001286167.3); short protein forms A747P.
Identifiers: ClinVar variation 4022165 (VCV004022165.1).